The following is an entry in ClinVar:

ClinVar aggregate classification (germline): Uncertain significance (1 of 4 stars; one submission).

Submissions (2):

Labcorp Genetics (formerly Invitae), Labcorp
Classification: Uncertain significance. Last evaluated: 2024-02-16. Review status: criteria provided, single submitter. Criteria: Invitae Variant Classification Sherloc (09022015). Collection method: clinical testing. Allele origin: germline.
Comment: This sequence change replaces leucine, which is neutral and non-polar, with phenylalanine, which is neutral and non-polar, at codon 166 of the CLCN4 protein (p.Leu166Phe). This variant is not present in population databases (gnomAD no frequency). This variant has not been reported in the literature in individuals affected with CLCN4-related conditions. Advanced modeling of protein sequence and biophysical properties (such as structural, functional, and spatial information, amino acid conservation, physicochemical variation, residue mobility, and thermodynamic stability) has been performed at Invitae for this missense variant, however the output from this modeling did not meet the statistical confidence thresholds required to predict the impact of this variant on CLCN4 protein function. In summary, the available evidence is currently insufficient to determine the role of this variant in disease. Therefore, it has been classified as a Variant of Uncertain Significance.

Dr. Peter K. Rogan Lab, Western University
No classification provided (evidence only). Condition: Thyroid cancer, nonmedullary, 1. Review status: no classification provided. Collection method: in vitro. Allele origin: not applicable. Functional consequence: retained intron. Not counted in ClinVar's aggregate classification.

NM_001830.4(CLCN4):c.498G>T (p.Leu166Phe)

Gene: CLCN4 (chloride voltage-gated channel 4; plus strand). Cytogenetic location: Xp22.2.
Variant type: single nucleotide variant.
Coding change: c.498G>T on transcript NM_001830.4 (MANE Select); coding-DNA position 498, G replaced by T.
Protein change: p.Leu166Phe; replaces leucine 166 with phenylalanine.
Molecular consequence: missense variant.
Genome position (GRCh38, 1-based): chrX:10,198,004, G>T. VCF-style: chrX-10198004-G-T. GRCh37 (hg19) VCF-style: chrX-10166044-G-T.
Other names: c.216G>T, p.Leu72Phe (NM_001256944.2); short protein forms L166F, L72F.
Identifiers: ClinVar variation 2707844 (VCV002707844.4), dbSNP rs2518879737, ClinGen allele CA412034890.